The following is an entry in ClinVar:

NM_000979.4(RPL18):c.493C>T (p.Pro165Ser)

Gene: RPL18 (ribosomal protein L18; minus strand). Cytogenetic location: 19q13.33.
Variant type: single nucleotide variant.
Coding change: c.493C>T on transcript NM_000979.4 (MANE Select); coding-DNA position 493, C replaced by T.
Protein change: p.Pro165Ser; replaces proline 165 with serine.
Molecular consequence: missense variant. On other transcripts: non-coding transcript variant (1).
Genome position (GRCh38, 1-based): chr19:48,615,446, G>A on the plus strand (C>T on the coding strand, the complement: RPL18 is on the minus strand). VCF-style: chr19-48615446-G-A. GRCh37 (hg19) VCF-style: chr19-49118703-G-A.
Other names: c.406C>T, p.Pro136Ser (NM_001270490.2); short protein forms P165S, P136S.
Identifiers: ClinVar variation 2812366 (VCV002812366.3), dbSNP rs2513852735, ClinGen allele CA406730220.

ClinVar aggregate classification (germline): Uncertain significance (1 of 4 stars; one submission).

gnomAD v4.1: 4 of 1,612,252 alleles (0.00025%); highest among the groups gnomAD compares: Non-Finnish European, 0.00034%; no homozygotes.

Submission:

Labcorp Genetics (formerly Invitae), Labcorp
Classification: Uncertain significance. Last evaluated: 2022-12-09. Review status: criteria provided, single submitter. Criteria: Invitae Variant Classification Sherloc (09022015). Collection method: clinical testing. Allele origin: germline.
Comment: In summary, the available evidence is currently insufficient to determine the role of this variant in disease. Therefore, it has been classified as a Variant of Uncertain Significance. Algorithms developed to predict the effect of missense changes on protein structure and function are either unavailable or do not agree on the potential impact of this missense change (SIFT: "Deleterious"; PolyPhen-2: "Benign"; Align-GVGD: "Class C0"). This variant has not been reported in the literature in individuals affected with RPL18-related conditions. This variant is not present in population databases (gnomAD no frequency). This sequence change replaces proline, which is neutral and non-polar, with serine, which is neutral and polar, at codon 165 of the RPL18 protein (p.Pro165Ser).